The following is an entry in ClinVar:

NC_000023.10:g.(?_107840208)_(107898707_?)del

Gene: COL4A5 (collagen type IV alpha 5 chain; plus strand). Cytogenetic location: Xq22.3.
Variant type: Deletion.
Identifiers: ClinVar variation 1455028 (VCV001455028.6).

ClinVar aggregate classification (germline): Pathogenic (1 of 4 stars; one submission).

Submission:

Labcorp Genetics (formerly Invitae), Labcorp
Classification: Pathogenic. Last evaluated: 2021-02-16. Review status: criteria provided, single submitter. Criteria: Invitae Variant Classification Sherloc (09022015). Collection method: clinical testing. Allele origin: germline.
Comment: This variant is a gross deletion of the genomic region encompassing exon(s) 23-37 of the COL4A5 gene. This variant would be expected to be in-frame, preserving the integrity of the reading frame. For these reasons, this variant has been classified as Pathogenic. This variant disrupts the triple helix domain of COL4A5. Glycine residues within the Gly-Xaa-Yaa repeats of the triple helix domain are required for the structure and stability of fibrillar collagens (PMID: 7695699, 8218237, 19344236). In COL4A5, missense variants at these glycine residues are significantly enriched in individuals with disease (PMID: 23720012, 27627812) compared to the general population (ExAC). This variant has not been reported in the literature in individuals with COL4A5-related conditions.

Literature cited by the submitters: PubMed 7695699; PubMed 8218237; PubMed 19344236; PubMed 23720012; PubMed 27627812.